The following is an entry in ClinVar:

NM_001291415.2(KDM6A):c.1048G>A (p.Gly350Ser)

Gene: KDM6A (lysine demethylase 6A; plus strand). Cytogenetic location: Xp11.3.
Variant type: single nucleotide variant.
Coding change: c.1048G>A on transcript NM_001291415.2 (MANE Select); coding-DNA position 1048, G replaced by A.
Protein change: p.Gly350Ser; replaces glycine 350 with serine.
Molecular consequence: missense variant. On other transcripts: non-coding transcript variant (1).
Genome position (GRCh38, 1-based): chrX:45,059,320, G>A. VCF-style: chrX-45059320-G-A. GRCh37 (hg19) VCF-style: chrX-44918565-G-A.
Other names: c.1048G>A, p.Gly350Ser (NM_001291416.2, NM_001291417.2, NM_001291418.2 and 1 more transcripts); c.295G>A, p.Gly99Ser (NM_001291421.2); short protein forms G350S, G99S.
Identifiers: ClinVar variation 985845 (VCV000985845.4), dbSNP rs2044210205, ClinGen allele CA412782329.
Genomic context (GRCh38, chrX:45,059,320, plus strand): 5'-CAGCAAAATCAGCCCATGGATGCTTTACAGGCCTATATTTGTGCTGTACAATTGGACCAT[G>A]GCCATGCTGCAGCCTGGATGGACCTAGGCACTCTCTATGAATCCTGCAACCAGCCTCAGG-3'
Protein context (NP_001278344.1, residues 340-360): AYICAVQLDH[Gly350Ser]HAAAWMDLGT

ClinVar aggregate classification (germline): Uncertain significance (1 of 4 stars; one submission).

Conditions:
Inborn genetic diseases. Identifiers: MedGen C0950123, MeSH D030342.

Allele frequency attached by ClinVar (database versions not stated): gnomAD exomes below 0.00001.
gnomAD v4.1: 1 of 1,211,077 alleles (0.000083%); highest among the groups gnomAD compares: Non-Finnish European, 0.00011%; no homozygotes.

Submission:

Ambry Genetics
Classification: Uncertain significance for Inborn genetic diseases. Last evaluated: 2020-05-13. Review status: criteria provided, single submitter. Criteria: Ambry Variant Classification Scheme 2023. Collection method: clinical testing. Allele origin: germline.
Comment: The alteration results in an amino acid change:_x000D_ _x000D_ The c.1048G>A (p.G350S) alteration is located in coding exon 12 of the KDM6A gene. This alteration results from a G to A substitution at nucleotide position 1048, causing the glycine (G) at amino acid position 350 to be replaced by a serine (S). The alteration is not observed in population databases: _x000D_ _x000D_ Based on data from the Genome Aggregation Database (gnomAD), the KDM6A c.1048G>A alteration was not observed, with coverage at this position. The altered amino acid is not conserved throughout evolution:_x000D_ _x000D_ The p.G350 amino acid is not conserved in available vertebrate species. The alteration is predicted tolerated by in silico modeling:_x000D_ _x000D_ The p.G350S alteration is predicted to be tolerated by in silico analysis. Based on insufficient or conflicting evidence, the clinical significance of this alteration remains unclear.